The following is an entry in ClinVar:

NM_181783.4(TMTC3):c.1015A>G (p.Arg339Gly)

Gene: TMTC3 (transmembrane O-mannosyltransferase targeting cadherins 3; plus strand). Cytogenetic location: 12q21.32.
Variant type: single nucleotide variant.
Coding change: c.1015A>G on transcript NM_181783.4 (MANE Select); coding-DNA position 1015, A replaced by G.
Protein change: p.Arg339Gly; replaces arginine 339 with glycine.
Molecular consequence: missense variant. On other transcripts: non-coding transcript variant (1).
Genome position (GRCh38, 1-based): chr12:88,166,547, A>G. VCF-style: chr12-88166547-A-G. GRCh37 (hg19) VCF-style: chr12-88560324-A-G.
Other names: c.835A>G, p.Arg279Gly (NM_001366574.1); c.796A>G, p.Arg266Gly (NM_001366579.1); c.748A>G, p.Arg250Gly (NM_001366580.1); c.322A>G, p.Arg108Gly (NM_001366583.1); short protein forms R279G, R339G, R108G, R250G, R266G.
Identifiers: ClinVar variation 1914524 (VCV001914524.5), dbSNP rs1457202597, ClinGen allele CA385998969.
Genomic context (GRCh38, chr12:88,166,547, plus strand): 5'-CGAAATCTGGCCACATTTACTTTCTTTTGTTTTCTGGGGATGTTGGGAGTATTCAGTATC[A>G]GATACTCTGGTGATTCCTCCAAGACTGTTTTAATGGTAAGAAACTTTTCTTAACTTCCAA-3'
Protein context (NP_861448.2, residues 329-349): FLGMLGVFSI[Arg339Gly]YSGDSSKTVL

ClinVar aggregate classification (germline): Uncertain significance (1 of 4 stars; one submission).

Submission:

Labcorp Genetics (formerly Invitae), Labcorp
Classification: Uncertain significance. Last evaluated: 2022-06-30. Review status: criteria provided, single submitter. Criteria: Invitae Variant Classification Sherloc (09022015). Collection method: clinical testing. Allele origin: germline.
Comment: In summary, the available evidence is currently insufficient to determine the role of this variant in disease. Therefore, it has been classified as a Variant of Uncertain Significance. This sequence change replaces arginine, which is basic and polar, with glycine, which is neutral and non-polar, at codon 339 of the TMTC3 protein (p.Arg339Gly). This variant is not present in population databases (gnomAD no frequency). This variant has not been reported in the literature in individuals affected with TMTC3-related conditions. Algorithms developed to predict the effect of missense changes on protein structure and function (SIFT, PolyPhen-2, Align-GVGD) all suggest that this variant is likely to be tolerated.